The following is an entry in ClinVar:

ClinVar aggregate classification (germline): Uncertain significance (1 of 4 stars; one submission).

Conditions:
Imerslund-Grasbeck syndrome. Also called: Imerslund-Gräsbeck syndrome; ENTEROCYTE COBALAMIN MALABSORPTION; ENTEROCYTE INTRINSIC FACTOR RECEPTOR, DEFECT OF; PERNICIOUS ANEMIA, JUVENILE, DUE TO SELECTIVE INTESTINAL MALABSORPTION OF VITAMIN B12, WITH PROTEINURIA; Megaloblastic anemia due to inborn errors of metabolism. Identifiers: Orphanet 35858, MedGen C4551825, MONDO:0009853.

Allele frequency attached by ClinVar (database versions not stated): gnomAD exomes below 0.00001.
gnomAD v4.1: 2 of 1,614,152 alleles (0.00012%); highest among the groups gnomAD compares: Non-Finnish European, 0.00017%; no homozygotes.

Submission:

Labcorp Genetics (formerly Invitae), Labcorp
Classification: Uncertain significance for Imerslund-Grasbeck syndrome. Last evaluated: 2025-06-12. Review status: criteria provided, single submitter. Criteria: Invitae Variant Classification Sherloc (09022015). Collection method: clinical testing. Allele origin: germline.
Comment: This sequence change replaces cysteine, which is neutral and slightly polar, with arginine, which is basic and polar, at codon 1812 of the CUBN protein (p.Cys1812Arg). This variant is not present in population databases (gnomAD no frequency). This variant has not been reported in the literature in individuals affected with CUBN-related conditions. ClinVar contains an entry for this variant (Variation ID: 2809598). Invitae Evidence Modeling of protein sequence and biophysical properties (such as structural, functional, and spatial information, amino acid conservation, physicochemical variation, residue mobility, and thermodynamic stability) indicates that this missense variant is expected to disrupt CUBN protein function with a positive predictive value of 80%. In summary, the available evidence is currently insufficient to determine the role of this variant in disease. Therefore, it has been classified as a Variant of Uncertain Significance.

NM_001081.4(CUBN):c.5434T>C (p.Cys1812Arg)

Gene: CUBN (cubilin; minus strand). Cytogenetic location: 10p13.
Variant type: single nucleotide variant.
Coding change: c.5434T>C on transcript NM_001081.4 (MANE Select); coding-DNA position 5434, T replaced by C.
Protein change: p.Cys1812Arg; replaces cysteine 1812 with arginine.
Molecular consequence: missense variant.
Genome position (GRCh38, 1-based): chr10:16,940,146, A>G on the plus strand (T>C on the coding strand, the complement: CUBN is on the minus strand). VCF-style: chr10-16940146-A-G. GRCh37 (hg19) VCF-style: chr10-16982145-A-G.
Other names: short protein forms C1812R.
Identifiers: ClinVar variation 2809598 (VCV002809598.3), dbSNP rs2491542651, ClinGen allele CA376157962.